The following is an entry in ClinVar:

NM_182931.3(KMT2E):c.68C>G (p.Ser23Ter)

Gene: KMT2E (lysine methyltransferase 2E (inactive); plus strand). Cytogenetic location: 7q22.3.
Variant type: single nucleotide variant.
Coding change: c.68C>G on transcript NM_182931.3 (MANE Select); coding-DNA position 68, C replaced by G.
Protein change: p.Ser23Ter; replaces serine 23 with a stop codon.
Molecular consequence: nonsense.
Genome position (GRCh38, 1-based): chr7:105,041,020, C>G. VCF-style: chr7-105041020-C-G. GRCh37 (hg19) VCF-style: chr7-104681467-C-G.
Other names: c.68C>G, p.Ser23Ter (NM_001410908.1, NM_018682.4); short protein forms S23*.
Identifiers: ClinVar variation 3906963 (VCV003906963.2).

ClinVar aggregate classification (germline): Likely pathogenic (1 of 4 stars; one submission).

Conditions:
O'Donnell-Luria-Rodan syndrome (ODLURO). Also called: KMT2E-Related Neurodevelopmental Disorder. Identifiers: MedGen C5193138, MONDO:0032793, OMIM 618512.

Submission:

Juno Genomics, Hangzhou Juno Genomics, Inc
Classification: Likely pathogenic for O'Donnell-Luria-Rodan syndrome. Review status: criteria provided, single submitter. Criteria: ACMG Guidelines, 2015. Collection method: clinical testing. Allele origin: germline. Affected: yes.
Comment: Absent from controls (or at extremely low frequency if recessive) in Genome Aggregation Database, Exome Sequencing Project, 1000 Genomes Project, or Exome Aggregation Consortium.;Null variant in a gene where loss of function (LOF) is a known mechanism of disease.